The following is an entry in ClinVar:

ClinVar aggregate classification (germline): Uncertain significance (1 of 4 stars; one submission).

Allele frequency attached by ClinVar (database versions not stated): gnomAD exomes below 0.00001; gnomAD 0.00001.
gnomAD v4.1: 5 of 1,614,030 alleles (0.00031%); highest among the groups gnomAD compares: Non-Finnish European, 0.00034%; no homozygotes.

Submission:

Ambry Genetics
Classification: Uncertain significance. Last evaluated: 2023-09-21. Review status: criteria provided, single submitter. Criteria: Ambry Variant Classification Scheme 2023. Collection method: clinical testing. Allele origin: germline.
Comment: The p.R1186H variant (also known as c.3557G>A), located in coding exon 4 of the ALPK2 gene, results from a G to A substitution at nucleotide position 3557. The arginine at codon 1186 is replaced by histidine, an amino acid with highly similar properties. This amino acid position is conserved. In addition, this alteration is predicted to be tolerated by in silico analysis. Since supporting evidence is limited at this time, the clinical significance of this alteration remains unclear.

NM_052947.4(ALPK2):c.3557G>A (p.Arg1186His)

Gene: ALPK2 (alpha kinase 2; minus strand). Cytogenetic location: 18q21.31.
Variant type: single nucleotide variant.
Coding change: c.3557G>A on transcript NM_052947.4 (MANE Select); coding-DNA position 3557, G replaced by A.
Protein change: p.Arg1186His; replaces arginine 1186 with histidine.
Molecular consequence: missense variant.
Genome position (GRCh38, 1-based): chr18:58,536,630, C>T on the plus strand (G>A on the coding strand, the complement: ALPK2 is on the minus strand). VCF-style: chr18-58536630-C-T. GRCh37 (hg19) VCF-style: chr18-56203862-C-T.
Other names: short protein forms R1186H.
Identifiers: ClinVar variation 1732645 (VCV001732645.2), dbSNP rs767612056, ClinGen allele CA8976874.